The following is an entry in ClinVar:

ClinVar aggregate classification (germline): Conflicting classifications of pathogenicity. Review status: criteria provided, conflicting classifications (1 of 4 stars). 6 submissions from 6 submitters: Uncertain significance (1); Likely benign (4). 1 of the submissions does not count toward it. Last evaluated 2025-10-28.

Conditions:
Hereditary cancer-predisposing syndrome. Also called: Hereditary Cancer Syndrome; Hereditary neoplastic syndrome; Neoplastic Syndromes, Hereditary; Tumor predisposition. Identifiers: Orphanet 140162, MedGen C0027672, MeSH D009386, MONDO:0015356.
Breast-ovarian cancer, familial, susceptibility to, 1 (BROVCA1). Also called: BRCA1 Hereditary Breast and Ovarian Cancer; OVARIAN CANCER, SUSCEPTIBILITY TO. Identifiers: Orphanet 145, MedGen C2676676, MONDO:0011450, OMIM 604370. Disease mechanism: loss of function.
Hereditary breast ovarian cancer syndrome. Also called: BRCA1- and BRCA2-Associated Hereditary Breast and Ovarian Cancer; Hereditary breast and ovarian cancer syndrome; Hereditary breast and ovarian cancer syndrome (HBOC); Breast and ovarian cancer; Hereditary breast and/or ovarian cancer syndrome; Hereditary breast and ovarian cancer. Identifiers: Orphanet 145, MedGen C0677776, MeSH D061325, MONDO:0003582. Disease mechanism: loss of function.

gnomAD v4.1: 2 of 1,614,200 alleles (0.00012%); highest among the groups gnomAD compares: Middle Eastern, 0.016%; no homozygotes.

Submissions (7):

Labcorp Genetics (formerly Invitae), Labcorp
Classification: Likely benign for Hereditary breast ovarian cancer syndrome. Last evaluated: 2025-10-28. Review status: criteria provided, single submitter. Criteria: Invitae Variant Classification Sherloc (09022015). Collection method: clinical testing. Allele origin: germline.

Women's Health and Genetics/Laboratory Corporation of America, LabCorp
Classification: Likely benign. Last evaluated: 2025-04-11. Review status: criteria provided, single submitter. Criteria: LabCorp Variant Classification Summary - May 2015. Collection method: clinical testing. Allele origin: germline.
Comment: Variant summary: BRCA1 c.4941C>A (p.Asn1647Lys) results in a non-conservative amino acid change located in the BRCT domain superfamily of the encoded protein sequence. Four of five in-silico tools predict a benign effect of the variant on protein function. The variant was absent in 251200 control chromosomes (gnomAD). The available data on variant occurrences in the general population are insufficient to allow any conclusion about variant significance. Three independent functional studies have reported no damaging effect of this variant including normal transcriptional activity (Lee_2010, Wood_2016), and functional HDR activity (Findlay_2018). The following publications have been ascertained in the context of this evaluation (PMID: 20516115, 30209399, 28781887). ClinVar contains an entry for this variant (Variation ID: 55325). Based on the evidence outlined above, the variant was classified as likely benign.

Color Diagnostics, LLC DBA Color Health
Classification: Likely benign for Hereditary cancer-predisposing syndrome. Last evaluated: 2022-10-10. Review status: criteria provided, single submitter. Criteria: ACMG Guidelines, 2015. Collection method: clinical testing. Allele origin: germline.

Ambry Genetics
Classification: Likely benign for Hereditary cancer-predisposing syndrome. Last evaluated: 2019-01-18. Review status: criteria provided, single submitter. Criteria: Ambry Variant Classification Scheme 2023. Collection method: clinical testing. Allele origin: germline.

GeneDx
Classification: Uncertain significance. Last evaluated: 2014-02-26. Review status: criteria provided, single submitter. Criteria: GeneDx Variant Classification (06012015). Collection method: clinical testing. Allele origin: germline. Affected: yes.
Comment: This variant is denoted BRCA1 c.4941C>A at the cDNA level, p.Asn1647Lys (N1647K) at the protein level, and results in the change of an Asparagine to a Lysine (AAC>AAA). This variant was found in one study to have no protein folding defect, normal peptide binding activity and specificity, and normal trascriptional activity (Lee 2010). BRCA1 Asn1647Lys was not observed in approximately 6,500 individuals of European and African American ancestry in the NHLBI Exome Sequencing Project, indicating it is not a common benign variant in these populations. This variant is a semi-conservative substitution in which a neutral polar amino acid is replaced with a positive polar one, altering a position that is only moderately conserved throughout evolution and is located in BRCT1 domain (UniProt). In silico analyses predict this variant to have a benign effect on protein structure and function. Based on the currently available information, we consider BRCA1 Asn1647Lys to be a variant of uncertain significance.

Breast Cancer Information Core (BIC) (BRCA1)
Classification: Uncertain significance for Breast-ovarian cancer, familial 1. Last evaluated: 1998-11-30. Review status: no assertion criteria provided. Collection method: clinical testing. Allele origin: germline. Affected: yes. Observed: 1 variant allele. Not counted in ClinVar's aggregate classification.

Brotman Baty Institute, University of Washington
No classification provided (evidence only). Condition: Breast-ovarian cancer, familial 1. Review status: no classification provided. Collection method: in vitro. Allele origin: not applicable. Functional consequence: functionally_normal. Not counted in ClinVar's aggregate classification.
ClinVar note: "not provided" was previously submitted as the classification for the variant. However, the classification appeared to be based only on an observation of functional data so it was converted to no classification on 2025-07-30.

Literature cited by the submitters: PubMed 20516115 (cited by Women's Health and Genetics/Laboratory Corporation of America, LabCorp); PubMed 30209399 (cited by Women's Health and Genetics/Laboratory Corporation of America, LabCorp); PubMed 28781887 (cited by Women's Health and Genetics/Laboratory Corporation of America, LabCorp and Ambry Genetics).

NM_007294.4(BRCA1):c.4941C>A (p.Asn1647Lys)

Gene: BRCA1 (BRCA1 DNA repair associated; minus strand). Cytogenetic location: 17q21.31.
Variant type: single nucleotide variant.
Coding change: c.4941C>A on transcript NM_007294.4 (MANE Select); coding-DNA position 4941, C replaced by A.
Protein change: p.Asn1647Lys; replaces asparagine 1647 with lysine.
Molecular consequence: missense variant. On other transcripts: non-coding transcript variant (1).
Genome position (GRCh38, 1-based): chr17:43,070,973, G>T on the plus strand (C>A on the coding strand, the complement: BRCA1 is on the minus strand). VCF-style: chr17-43070973-G-T. GRCh37 (hg19) VCF-style: chr17-41222990-G-T.
Other names: p.N1647K:AAC>AAA; c.1488C>A, p.Asn496Lys (NM_001408460.1, NM_001408461.1, NM_001408462.1 and 7 more transcripts); c.1431C>A, p.Asn477Lys (NM_001408474.1); c.1428C>A, p.Asn476Lys (NM_001408475.1, NM_001408476.1); c.1422C>A, p.Asn474Lys (NM_001408478.1, NM_001408479.1, NM_001408480.1); c.1419C>A, p.Asn473Lys (NM_001408481.1, NM_001408482.1, NM_001408483.1 and 5 more transcripts); c.1368C>A, p.Asn456Lys (NM_001408497.1, NM_001408498.1, NM_001408499.1 and 3 more transcripts); c.1365C>A, p.Asn455Lys (NM_001408502.1, NM_001408503.1, NM_001408504.1); and 71 more; short protein forms N1647K, N1600K, N543K, N1668K, N1351K, N1535K, N1620K, N1350K.
Identifiers: ClinVar variation 55325 (VCV000055325.31), dbSNP rs80357302, ClinGen allele CA003092.